The following is an entry in ClinVar:

ClinVar aggregate classification (germline): Pathogenic (1 of 4 stars; one submission).

Conditions:
Duchenne muscular dystrophy (DMD). Also called: Duchenne Muscular Dystrophy (DMD); MUSCULAR DYSTROPHY, PSEUDOHYPERTROPHIC PROGRESSIVE, DUCHENNE TYPE. Identifiers: Orphanet 98896, MedGen C0013264, MONDO:0010679, OMIM 310200.

Submission:

Labcorp Genetics (formerly Invitae), Labcorp
Classification: Pathogenic for Duchenne muscular dystrophy. Last evaluated: 2021-10-15. Review status: criteria provided, single submitter. Criteria: Invitae Variant Classification Sherloc (09022015). Collection method: clinical testing. Allele origin: germline.
Comment: For these reasons, this variant has been classified as Pathogenic. A similar copy number variant has been observed in individual(s) with DMD-related dystrophinopathies (PMID: 17726484). This variant is a gross deletion of the genomic region encompassing exon(s) 2-29 of the DMD gene. This deletion is out-of-frame, and is expected to create a premature termination codon and result in an absent or disrupted protein product. Loss-of-function variants in DMD are known to be pathogenic (PMID: 16770791, 25007885).

Literature cited by the submitters: PubMed 17726484; PubMed 16770791; PubMed 25007885.

NC_000023.10:g.(?_32456338)_(33038337_?)del

Gene: DMD (dystrophin; minus strand). Cytogenetic location: Xp21.1.
Variant type: Deletion.
Identifiers: ClinVar variation 1455795 (VCV001455795.5).